The following is an entry in ClinVar:

NM_013266.4(CTNNA3):c.1804G>T (p.Asp602Tyr)

Gene: CTNNA3 (catenin alpha 3; minus strand). Cytogenetic location: 10q21.3.
Variant type: single nucleotide variant.
Coding change: c.1804G>T on transcript NM_013266.4 (MANE Select); coding-DNA position 1804, G replaced by T.
Protein change: p.Asp602Tyr; replaces aspartic acid 602 with tyrosine.
Molecular consequence: missense variant.
Genome position (GRCh38, 1-based): chr10:66,280,550, C>A on the plus strand (G>T on the coding strand, the complement: CTNNA3 is on the minus strand). VCF-style: chr10-66280550-C-A. GRCh37 (hg19) VCF-style: chr10-68040308-C-A.
Other names: c.1804G>T, p.Asp602Tyr (NM_001127384.3); short protein forms D602Y.
Identifiers: ClinVar variation 1780459 (VCV001780459.6), dbSNP rs532225159, ClinGen allele CA5519812.

ClinVar aggregate classification (germline): Uncertain significance. Review status: criteria provided, multiple submitters, no conflicts (2 of 4 stars). 3 submissions from 3 submitters: Uncertain significance (3). Last evaluated 2025-12-15.

Conditions:
Arrhythmogenic right ventricular dysplasia 13. Also called: ARRHYTHMOGENIC RIGHT VENTRICULAR CARDIOMYOPATHY 13; Arrhythmogenic right ventricular dysplasia, familial, 13. Identifiers: MedGen C3810138, MONDO:0000908, OMIM 615616.

Allele frequency attached by ClinVar (database versions not stated): 1000 Genomes Project 30x 0.00031; 1000 Genomes Project 0.00020; gnomAD 0.00002; TOPMed 0.00003; ExAC 0.00004.
gnomAD v4.1: 27 of 1,609,510 alleles (0.0017%); highest among the groups gnomAD compares: East Asian, 0.056%; no homozygotes.

Submissions (3):

Labcorp Genetics (formerly Invitae), Labcorp
Classification: Uncertain significance for Arrhythmogenic right ventricular dysplasia 13. Last evaluated: 2025-12-15. Review status: criteria provided, single submitter. Criteria: Invitae Variant Classification Sherloc (09022015). Collection method: clinical testing. Allele origin: germline.
Comment: This sequence change replaces aspartic acid, which is acidic and polar, with tyrosine, which is neutral and polar, at codon 602 of the CTNNA3 protein (p.Asp602Tyr). This variant is present in population databases (rs532225159, gnomAD 0.05%), and has an allele count higher than expected for a pathogenic variant. This variant has not been reported in the literature in individuals affected with CTNNA3-related conditions. ClinVar contains an entry for this variant (Variation ID: 1780459). Invitae Evidence Modeling of protein sequence and biophysical properties (such as structural, functional, and spatial information, amino acid conservation, physicochemical variation, residue mobility, and thermodynamic stability) indicates that this missense variant is expected to disrupt CTNNA3 protein function with a positive predictive value of 80%. In summary, the available evidence is currently insufficient to determine the role of this variant in disease. Therefore, it has been classified as a Variant of Uncertain Significance.

Ambry Genetics
Classification: Uncertain significance. Last evaluated: 2024-11-30. Review status: criteria provided, single submitter. Criteria: Ambry Variant Classification Scheme 2023. Collection method: clinical testing. Allele origin: germline.
Comment: The p.D602Y variant (also known as c.1804G>T), located in coding exon 12 of the CTNNA3 gene, results from a G to T substitution at nucleotide position 1804. The aspartic acid at codon 602 is replaced by tyrosine, an amino acid with highly dissimilar properties. This amino acid position is conserved. In addition, the in silico prediction for this alteration is inconclusive. Since supporting evidence is limited at this time, the clinical significance of this alteration remains unclear.

Clinical Genomics Laboratory, Stanford Medicine
Classification: Uncertain significance. Last evaluated: 2023-09-18. Review status: criteria provided, single submitter. Criteria: ACMG Guidelines, 2015. Collection method: clinical testing. Allele origin: germline. Observed: 1 variant allele, 1 heterozygote.
Comment: The p.Asp602Tyr variant in the CTNNA3 gene has not been previously reported in association with disease. This variant has been identified in 9/18,306 East Asian chromosomes (10/248,962 chromosomes overall) by the Genome Aggregation Database. This variant is present in ClinVar (Accession: VCV001780459.5). The aspartic acid at position 602 is evolutionarily conserved. Computational tools predict that the p.Asp602Tyr variant is neither deleterious nor benign; however, the accuracy of in silico algorithms is limited. These data were assessed using the ACMG/AMP variant interpretation guidelines. In summary, the significance of the p.Asp602Tyr variant is uncertain. Additional information is needed to resolve the significance of this variant. [ACMG evidence codes used: BS1_Supporting]